The following is an entry in ClinVar:

ClinVar aggregate classification (germline): Uncertain significance. Review status: criteria provided, multiple submitters, no conflicts (2 of 4 stars). 3 submissions from 3 submitters: Uncertain significance (3). Last evaluated 2025-12-01.

Conditions:
Combined immunodeficiency due to LRBA deficiency. Also called: Common variable immunodeficiency 8, with autoimmunity. Identifiers: Orphanet 445018, MedGen C3553512, MONDO:0013863, OMIM 614700.

Allele frequency attached by ClinVar (database versions not stated): gnomAD 0.00001; gnomAD exomes 0.00001; TOPMed 0.00001.
gnomAD v4.1: 10 of 1,613,954 alleles (0.00062%); highest among the groups gnomAD compares: Admixed American, 0.005%; no homozygotes.

Submissions (3):

Laboratorio de Genetica e Diagnostico Molecular, Hospital Israelita Albert Einstein
Classification: Uncertain significance for Combined immunodeficiency due to LRBA deficiency. Last evaluated: 2025-12-01. Review status: criteria provided, single submitter. Criteria: ACMG Guidelines, 2015. Collection method: clinical testing. Allele origin: germline. Affected: yes.
Comment: ACMG classification criteria: PM2 supporting, BP4 supporting

Labcorp Genetics (formerly Invitae), Labcorp
Classification: Uncertain significance for Combined immunodeficiency due to LRBA deficiency. Last evaluated: 2024-10-30. Review status: criteria provided, single submitter. Criteria: Invitae Variant Classification Sherloc (09022015). Collection method: clinical testing. Allele origin: germline.
Comment: This sequence change replaces lysine, which is basic and polar, with arginine, which is basic and polar, at codon 136 of the LRBA protein (p.Lys136Arg). This variant is present in population databases (no rsID available, gnomAD 0.009%). This variant has not been reported in the literature in individuals affected with LRBA-related conditions. ClinVar contains an entry for this variant (Variation ID: 1063884). Invitae Evidence Modeling of protein sequence and biophysical properties (such as structural, functional, and spatial information, amino acid conservation, physicochemical variation, residue mobility, and thermodynamic stability) indicates that this missense variant is not expected to disrupt LRBA protein function with a negative predictive value of 80%. In summary, the available evidence is currently insufficient to determine the role of this variant in disease. Therefore, it has been classified as a Variant of Uncertain Significance.

Blueprint Genetics
Classification: Uncertain significance. Last evaluated: 2022-08-08. Review status: criteria provided, single submitter. Criteria: ACMG Guidelines, 2015. Collection method: clinical testing. Allele origin: germline.

NM_001364905.1(LRBA):c.407A>G (p.Lys136Arg)

Gene: LRBA (LPS responsive beige-like anchor protein; minus strand). Cytogenetic location: 4q31.3.
Variant type: single nucleotide variant.
Coding change: c.407A>G on transcript NM_001364905.1 (MANE Select); coding-DNA position 407, A replaced by G.
Protein change: p.Lys136Arg; replaces lysine 136 with arginine.
Molecular consequence: missense variant.
Genome position (GRCh38, 1-based): chr4:150,928,875, T>C on the plus strand (A>G on the coding strand, the complement: LRBA is on the minus strand). VCF-style: chr4-150928875-T-C. GRCh37 (hg19) VCF-style: chr4-151850027-T-C.
Other names: c.407A>G, p.Lys136Arg (NM_001199282.3, NM_001367550.1, NM_006726.5); short protein forms K136R.
Identifiers: ClinVar variation 1063884 (VCV001063884.11), dbSNP rs1280284471, ClinGen allele CA358439273.